The following is an entry in ClinVar:

NM_001130965.3(SUN1):c.1732G>T (p.Val578Leu)

Gene: SUN1 (Sad1 and UNC84 domain containing 1; plus strand). Cytogenetic location: 7p22.3.
Variant type: single nucleotide variant.
Coding change: c.1732G>T on transcript NM_001130965.3 (MANE Select); coding-DNA position 1732, G replaced by T.
Protein change: p.Val578Leu; replaces valine 578 with leucine.
Molecular consequence: missense variant. On other transcripts: non-coding transcript variant (3).
Genome position (GRCh38, 1-based): chr7:860,335, G>T. VCF-style: chr7-860335-G-T. GRCh37 (hg19) VCF-style: chr7-899972-G-T.
Other names: c.1423G>T, p.Val475Leu (NM_001171944.2); c.1732G>T, p.Val578Leu (NM_001367633.1, NM_001367634.1, NM_001367653.1); c.1381G>T, p.Val461Leu (NM_001367635.1); c.1972G>T, p.Val658Leu (NM_001367636.1, NM_001367691.1); c.1840G>T, p.Val614Leu (NM_001367638.1); c.1273G>T, p.Val425Leu (NM_001367639.1); c.1912G>T, p.Val638Leu (NM_001367640.1); c.2014G>T, p.Val672Leu (NM_001367641.1, NM_001367682.1); and 43 more; short protein forms V578L, V517L, V567L, V593L, V604L, V605L, V628L, V648L.
Identifiers: ClinVar variation 530820 (VCV000530820.10), dbSNP rs201804636, ClinGen allele CA4112340.

ClinVar aggregate classification (germline): Uncertain significance (1 of 4 stars; one submission).

Conditions:
Emery-Dreifuss muscular dystrophy (EDMD). Also called: Scapuloperoneal syndrome, X-linked (formerly); Humeroperoneal neuromuscular disease, (formerly). Identifiers: Orphanet 261, MedGen C0410189, MONDO:0016830.

Allele frequency attached by ClinVar (database versions not stated): 1000 Genomes Project 30x 0.00016; 1000 Genomes Project 0.00020; gnomAD 0.00048; TOPMed 0.00057; ESP Exome Variant Server 0.00064.
gnomAD v4.1: 162 of 1,614,212 alleles (0.01%); highest among the groups gnomAD compares: African/African-American, 0.21%; no homozygotes.

Submission:

Labcorp Genetics (formerly Invitae), Labcorp
Classification: Uncertain significance for Emery-Dreifuss muscular dystrophy. Last evaluated: 2025-04-14. Review status: criteria provided, single submitter. Criteria: Invitae Variant Classification Sherloc (09022015). Collection method: clinical testing. Allele origin: germline.
Comment: This sequence change replaces valine, which is neutral and non-polar, with leucine, which is neutral and non-polar, at codon 578 of the SUN1 protein (p.Val578Leu). This variant is present in population databases (rs201804636, gnomAD 0.2%), and has an allele count higher than expected for a pathogenic variant. This variant has not been reported in the literature in individuals affected with SUN1-related conditions. ClinVar contains an entry for this variant (Variation ID: 530820). An algorithm developed to predict the effect of missense changes on protein structure and function (PolyPhen-2) suggests that this variant is likely to be tolerated. In summary, the available evidence is currently insufficient to determine the role of this variant in disease. Therefore, it has been classified as a Variant of Uncertain Significance.